The following is an entry in ClinVar:

NM_194255.4(SLC19A1):c.116C>T (p.Ala39Val)

Gene: SLC19A1 (solute carrier family 19 member 1; minus strand). Cytogenetic location: 21q22.3.
Variant type: single nucleotide variant.
Coding change: c.116C>T on transcript NM_194255.4 (MANE Select); coding-DNA position 116, C replaced by T.
Protein change: p.Ala39Val; replaces alanine 39 with valine.
Molecular consequence: missense variant. On other transcripts: 5 prime UTR variant (1).
Genome position (GRCh38, 1-based): chr21:45,537,844, G>A on the plus strand (C>T on the coding strand, the complement: SLC19A1 is on the minus strand). VCF-style: chr21-45537844-G-A. GRCh37 (hg19) VCF-style: chr21-46957758-G-A.
Other names: c.116C>T, p.Ala39Val (NM_001205206.4, NM_001352511.3, NM_001352512.2); c.-243C>T (NM_001352510.2); short protein forms A39V.
Identifiers: ClinVar variation 3007709 (VCV003007709.3), dbSNP rs1341679160, ClinGen allele CA410511105.

ClinVar aggregate classification (germline): Uncertain significance (1 of 4 stars; one submission).

Allele frequency attached by ClinVar (database versions not stated): gnomAD 0.00001; TOPMed 0.00001.
gnomAD v4.1: 15 of 1,607,860 alleles (0.00093%); highest among the groups gnomAD compares: South Asian, 0.0033%; no homozygotes.

Submission:

Labcorp Genetics (formerly Invitae), Labcorp
Classification: Uncertain significance. Last evaluated: 2022-11-21. Review status: criteria provided, single submitter. Criteria: Invitae Variant Classification Sherloc (09022015). Collection method: clinical testing. Allele origin: germline.
Comment: Algorithms developed to predict the effect of missense changes on protein structure and function output the following: SIFT: "Tolerated"; PolyPhen-2: "Benign"; Align-GVGD: "Class C0". The valine amino acid residue is found in multiple mammalian species, which suggests that this missense change does not adversely affect protein function. In summary, the available evidence is currently insufficient to determine the role of this variant in disease. Therefore, it has been classified as a Variant of Uncertain Significance. This sequence change replaces alanine, which is neutral and non-polar, with valine, which is neutral and non-polar, at codon 39 of the SLC19A1 protein (p.Ala39Val). The frequency data for this variant in the population databases is considered unreliable, as metrics indicate poor data quality at this position in the gnomAD database. This variant has not been reported in the literature in individuals affected with SLC19A1-related conditions.